The following is an entry in ClinVar:

ClinVar aggregate classification (germline): Pathogenic/Likely pathogenic. Review status: criteria provided, multiple submitters, no conflicts (2 of 4 stars). 6 submissions from 6 submitters: Pathogenic (2); Likely pathogenic (3). 1 of the submissions does not count toward it. Last evaluated 2025-12-13.

Conditions:
Ornithine aminotransferase deficiency (GACR). Also called: OAT DEFICIENCY; OKT DEFICIENCY; Ornithine ketoacid aminotransferase deficiency; Gyrate atrophy; Gyrate atrophy of choroid and retina; Girate atrophy of the retina. Identifiers: Orphanet 414, MedGen C0018425, MONDO:0009796, OMIM 258870.

Allele frequency attached by ClinVar (database versions not stated): gnomAD exomes 0.00001 and 0.00003; TOPMed 0.00002; gnomAD 0.00003.
gnomAD v4.1: 49 of 1,614,020 alleles (0.003%); highest among the groups gnomAD compares: Non-Finnish European, 0.0038%; no homozygotes.

Submissions (6):

Labcorp Genetics (formerly Invitae), Labcorp
Classification: Pathogenic for Ornithine aminotransferase deficiency. Last evaluated: 2025-12-13. Review status: criteria provided, single submitter. Criteria: Invitae Variant Classification Sherloc (09022015). Collection method: clinical testing. Allele origin: germline.
Comment: This sequence change replaces proline, which is neutral and non-polar, with glutamine, which is neutral and polar, at codon 199 of the OAT protein (p.Pro199Gln). This variant is present in population databases (rs267606925, gnomAD 0.003%). This missense change has been observed in individual(s) with gyrate atrophy (PMID: 1609808, 22182799, 23076989). In at least one individual the data is consistent with being in trans (on the opposite chromosome) from a pathogenic variant. ClinVar contains an entry for this variant (Variation ID: 183). Invitae Evidence Modeling of protein sequence and biophysical properties (such as structural, functional, and spatial information, amino acid conservation, physicochemical variation, residue mobility, and thermodynamic stability) indicates that this missense variant is expected to disrupt OAT protein function with a positive predictive value of 80%. Experimental studies have shown that this missense change affects OAT function (PMID: 23076989). For these reasons, this variant has been classified as Pathogenic.

Myriad Genetics, Inc.
Classification: Likely pathogenic for Ornithine aminotransferase deficiency. Last evaluated: 2025-12-01. Review status: criteria provided, single submitter. Criteria: Myriad Autosomal Dominant, Autosomal Recessive and X-Linked Classification Criteria (2023). Collection method: clinical testing. Allele origin: unknown.
Comment: NM_000274.3(OAT):c.596C>A(P199Q) is a missense variant classified as likely pathogenic in the context of ornithine aminotransferase deficiency. P199Q has been observed in cases with relevant disease (PMID: 1609808, 22182799, 23076989, 33494148). Relevant functional assessments of this variant are not available in the literature. P199Q has been observed in referenced population frequency databases. In summary, NM_000274.3(OAT):c.596C>A(P199Q) is a missense variant that has been observed more frequently in cases with the relevant disease than in healthy populations. Please note: this variant was assessed in the context of healthy population screening.

Natera, Inc.
Classification: Likely pathogenic for Gyrate atrophy. Last evaluated: 2024-09-11. Review status: criteria provided, single submitter. Criteria: Natera Variant Classification Schema (03/2026). Collection method: clinical testing. Allele origin: germline.
Comment: The c.596C>A variant in OAT is a missense variant predicted to cause substitution of proline to glutamine at amino acid 199. This variant is rare in the general population with a frequency below the threshold expected for the associated phenotype(s). This variant has been observed in one or more individuals affected with the associated recessive disease, as either homozygous or compound heterozygous with a second variant (PMID: 34395527, 33494148, 22182799, 1609808). Computational prediction algorithms indicate this variant is likely to affect gene or protein function. Given the available evidence, this variant is classified as Likely Pathogenic.

Fulgent Genetics
Classification: Pathogenic for Ornithine aminotransferase deficiency. Last evaluated: 2024-06-13. Review status: criteria provided, single submitter. Criteria: ACMG Guidelines, 2015. Collection method: clinical testing. Allele origin: germline.

Baylor Genetics
Classification: Likely pathogenic for Ornithine aminotransferase deficiency. Last evaluated: 2024-03-12. Review status: criteria provided, single submitter. Criteria: ACMG Guidelines, 2015. Collection method: clinical testing. Allele origin: unknown.

OMIM
Classification: Pathogenic for GYRATE ATROPHY OF CHOROID AND RETINA. Last evaluated: 1992-07-01. Review status: no assertion criteria provided. Collection method: literature only. Allele origin: germline. Not counted in ClinVar's aggregate classification.

Literature cited by the submitters: PubMed 1609808 (cited by 4 submitters); PubMed 22182799 (cited by 3 submitters); PubMed 23076989 (cited by Labcorp Genetics (formerly Invitae), Labcorp and Myriad Genetics, Inc.); PubMed 33494148 (cited by Myriad Genetics, Inc. and Natera, Inc.); PubMed 34395527 (cited by Natera, Inc.); PubMed 2276738 (cited by OMIM).

NM_000274.4(OAT):c.596C>A (p.Pro199Gln)

Gene: OAT (ornithine aminotransferase; minus strand). Cytogenetic location: 10q26.13.
Variant type: single nucleotide variant.
Coding change: c.596C>A on transcript NM_000274.4 (MANE Select); coding-DNA position 596, C replaced by A.
Protein change: p.Pro199Gln; replaces proline 199 with glutamine.
Molecular consequence: missense variant. On other transcripts: 5 prime UTR variant (1).
Genome position (GRCh38, 1-based): chr10:124,405,488, G>T on the plus strand (C>A on the coding strand, the complement: OAT is on the minus strand). VCF-style: chr10-124405488-G-T. GRCh37 (hg19) VCF-style: chr10-126094057-G-T.
Other names: c.182C>A, p.Pro61Gln (NM_001171814.2); c.596C>A, p.Pro199Gln (NM_001322965.2, NM_001322966.2, NM_001322967.2 and 3 more transcripts); c.275C>A, p.Pro92Gln (NM_001322971.2); c.-5C>A (NM_001322974.2); c.596C>A (NM_000274.3); short protein forms P199Q, P61Q, P92Q.
Identifiers: ClinVar variation 183 (VCV000000183.13), dbSNP rs267606925, ClinGen allele CA114019.
Genomic context (GRCh38, chr10:124,405,488, plus strand): 5'-TGAAATACCTCCAGTGCGGGCAGATCATTATAGGGAATGATGTCGAATCCCGGCATAAAT[G>T]GTCCAAAACCATCGTAACTGGTTGGGTCTGTGGAACTGGAGATAGCAGACAACGTCCTAC-3'
Protein context (NP_000265.1, residues 189-209): TDPTSYDGFG[Pro199Gln]FMPGFDIIPY